The following is an entry in ClinVar:

NM_006019.4(TCIRG1):c.1942C>G (p.Leu648Val)

Gene: TCIRG1 (T cell immune regulator 1, ATPase H+ transporting V0 subunit a3; plus strand). Cytogenetic location: 11q13.2.
Variant type: single nucleotide variant.
Coding change: c.1942C>G on transcript NM_006019.4 (MANE Select); coding-DNA position 1942, C replaced by G.
Protein change: p.Leu648Val; replaces leucine 648 with valine.
Molecular consequence: missense variant.
Genome position (GRCh38, 1-based): chr11:68,049,717, C>G. VCF-style: chr11-68049717-C-G. GRCh37 (hg19) VCF-style: chr11-67817184-C-G.
Other names: c.1048C>G, p.Leu350Val (NM_001351059.2); c.1942C>G, p.Leu648Val (NM_001440552.1, NM_001440553.1, NM_001440554.1 and 2 more transcripts); c.1900C>G, p.Leu634Val (NM_001440555.1, NM_001440556.1, NM_001440563.1); c.1729C>G, p.Leu577Val (NM_001440559.1, NM_001440560.1, NM_001440561.1 and 2 more transcripts); c.1687C>G, p.Leu563Val (NM_001440564.1); c.1642C>G, p.Leu548Val (NM_001440565.1); c.1480C>G, p.Leu494Val (NM_001440567.1); c.1474C>G, p.Leu492Val (NM_001440568.1); and 2 more; short protein forms L492V, L350V, L432V, L634V, L648V, L328V, L494V, L563V.
Identifiers: ClinVar variation 4743839 (VCV004743839.1).
Genomic context (GRCh38, chr11:68,049,717, plus strand): 5'-TGGCAGGAGGTGGTCCAGGCCACGCTGGTGGTCCTGGCCTTGGCCATGGTGCCCATCCTG[C>G]TGCTTGGCACACCCCTGCACCTGCTGCACCGCCACCGCCGCCGCCTGCGGAGGAGGCCCG-3'
Protein context (NP_006010.2, residues 638-658): VLALAMVPIL[Leu648Val]LGTPLHLLHR

ClinVar aggregate classification (germline): Uncertain significance (1 of 4 stars; one submission).

Submission:

Labcorp Genetics (formerly Invitae), Labcorp
Classification: Uncertain significance. Last evaluated: 2025-07-02. Review status: criteria provided, single submitter. Criteria: Invitae Variant Classification Sherloc (09022015). Collection method: clinical testing. Allele origin: germline.
Comment: This sequence change replaces leucine, which is neutral and non-polar, with valine, which is neutral and non-polar, at codon 648 of the TCIRG1 protein (p.Leu648Val). This variant is not present in population databases (gnomAD no frequency). This variant has not been reported in the literature in individuals affected with TCIRG1-related conditions. Invitae Evidence Modeling of protein sequence and biophysical properties (such as structural, functional, and spatial information, amino acid conservation, physicochemical variation, residue mobility, and thermodynamic stability) indicates that this missense variant is expected to disrupt TCIRG1 protein function with a positive predictive value of 80%. In summary, the available evidence is currently insufficient to determine the role of this variant in disease. Therefore, it has been classified as a Variant of Uncertain Significance.